The following is an entry in ClinVar:

NM_152443.3(RDH12):c.284G>A (p.Arg95Gln)

Genes: GPHN (gephyrin; plus strand), RDH12 (retinol dehydrogenase 12; plus strand). Cytogenetic location: 14q24.1.
Variant type: single nucleotide variant.
Coding change: c.284G>A on transcript NM_152443.3 (MANE Select); coding-DNA position 284, G replaced by A.
Protein change: p.Arg95Gln; replaces arginine 95 with glutamine.
Molecular consequence: missense variant.
Genome position (GRCh38, 1-based): chr14:67,725,195, G>A. VCF-style: chr14-67725195-G-A. GRCh37 (hg19) VCF-style: chr14-68191912-G-A.
Other names: short protein forms R95Q.
Identifiers: ClinVar variation 867107 (VCV000867107.14), dbSNP rs765914942, ClinGen allele CA7238661.

ClinVar aggregate classification (germline): Conflicting classifications of pathogenicity. Review status: criteria provided, conflicting classifications (1 of 4 stars). 6 submissions from 6 submitters: Pathogenic (1); Uncertain significance (4). 1 of the submissions does not count toward it. Last evaluated 2026-09-11.

Conditions:
Leber congenital amaurosis (LCA). Also called: Leber's amaurosis. Identifiers: Orphanet 65, MedGen C0339527, MeSH D057130, MONDO:0018998.
Leber congenital amaurosis 13 (LCA13). Identifiers: MedGen C2675186, MONDO:0012990, OMIM 612712.
RDH12-related disorder. Also called: RDH12-related disorders; RDH12-related condition.

Allele frequency attached by ClinVar (database versions not stated): ExAC 0.00003; gnomAD 0.00004; gnomAD exomes 0.00004 and 0.00006; TOPMed 0.00004.
gnomAD v4.1: 94 of 1,614,024 alleles (0.0058%); highest among the groups gnomAD compares: Non-Finnish European, 0.0071%; no homozygotes.

Submissions (6):

PreventionGenetics, part of Exact Sciences
Classification: Uncertain significance for RDH12-related condition. Last evaluated: 2026-09-11. Review status: criteria provided, single submitter. Criteria: ACMG Guidelines, 2015. Collection method: clinical testing. Allele origin: germline.
Comment: The RDH12 c.284G>A variant is predicted to result in the amino acid substitution p.Arg95Gln. To our knowledge, this variant has not been reported in the literature. This variant is present in 0.012% of alleles in individuals of African descent in gnomAD. At this time, the clinical significance of this variant is uncertain due to the absence of conclusive functional and genetic evidence.

Women's Health and Genetics/Laboratory Corporation of America, LabCorp
Classification: Uncertain significance. Last evaluated: 2025-11-17. Review status: criteria provided, single submitter. Criteria: LabCorp Variant Classification Summary - May 2015. Collection method: clinical testing. Allele origin: germline.
Comment: Variant summary: RDH12 c.284G>A (p.Arg95Gln) results in a conservative amino acid change in the encoded protein sequence. Algorithms developed to predict the effect of missense changes on protein structure and function are either unavailable or do not agree on the potential impact of this missense change. The variant allele was found at a frequency of 3.6e-05 in 251488 control chromosomes. c.284G>A has been observed in the presumed compound heterozygous state in at least 2 individual(s) affected with clinical features of autosomal recessive Leber congenital amaurosis and/or macular dystrophy (example, Hitti-Malin_2024, Labcorp Genetics (formerly Invitae)). These data indicate that the variant may be associated with disease. To our knowledge, no experimental evidence demonstrating an impact on protein function has been reported. The following publications have been ascertained in the context of this evaluation (PMID: 38540785). ClinVar contains an entry for this variant (Variation ID: 867107). Based on the evidence outlined above, the variant was classified as VUS-possibly pathogenic.

Labcorp Genetics (formerly Invitae), Labcorp
Classification: Uncertain significance for Leber congenital amaurosis 13. Last evaluated: 2024-09-16. Review status: criteria provided, single submitter. Criteria: Invitae Variant Classification Sherloc (09022015). Collection method: clinical testing. Allele origin: germline.
Comment: This sequence change replaces arginine, which is basic and polar, with glutamine, which is neutral and polar, at codon 95 of the RDH12 protein (p.Arg95Gln). This variant is present in population databases (rs765914942, gnomAD 0.01%). This missense change has been observed in individuals with autosomal recessive RDH12-related conditions (internal data). ClinVar contains an entry for this variant (Variation ID: 867107). Invitae Evidence Modeling of protein sequence and biophysical properties (such as structural, functional, and spatial information, amino acid conservation, physicochemical variation, residue mobility, and thermodynamic stability) indicates that this missense variant is not expected to disrupt RDH12 protein function with a negative predictive value of 80%. In summary, the available evidence is currently insufficient to determine the role of this variant in disease. Therefore, it has been classified as a Variant of Uncertain Significance.

Blueprint Genetics
Classification: Pathogenic for RDH12-related disorders. Last evaluated: 2024-09-11. Review status: criteria provided, single submitter. Criteria: ACMG Guidelines, 2015. Collection method: clinical testing. Allele origin: germline. Affected: yes. Observed: 5 variant alleles.

GeneDx
Classification: Uncertain significance. Last evaluated: 2022-07-31. Review status: criteria provided, single submitter. Criteria: GeneDx Variant Classification Process June 2021. Collection method: clinical testing. Allele origin: germline. Affected: yes.
Comment: In silico analysis supports that this missense variant does not alter protein structure/function; Has not been previously published as pathogenic or benign to our knowledge

Natera, Inc.
Classification: Uncertain significance for Leber congenital amaurosis. Last evaluated: 2020-07-23. Review status: no assertion criteria provided. Collection method: clinical testing. Allele origin: germline. Not counted in ClinVar's aggregate classification.

Literature cited by the submitters: PubMed 38540785 (cited by Women's Health and Genetics/Laboratory Corporation of America, LabCorp).